The following is an entry in ClinVar:

ClinVar aggregate classification (germline): Benign (1 of 4 stars; one submission).

Conditions:
Gamma-aminobutyric acid transaminase deficiency (GABATD). Also called: GABA aminotransaminase deficiency; GABA transaminase deficiency; Gamma aminobutyrate transaminase deficiency; 4 alpha aminobutyrate transaminase deficiency. Identifiers: Orphanet 2066, MedGen C0342708, MONDO:0013166, OMIM 613163.

Allele frequency attached by ClinVar (database versions not stated): gnomAD 0.01396 and 0.01479; TOPMed 0.01554; 1000 Genomes Project 30x 0.02014; 1000 Genomes Project 0.02097.

Submission:

Illumina Laboratory Services, Illumina
Classification: Benign for Gamma-aminobutyric acid transaminase deficiency. Last evaluated: 2018-01-13. Review status: criteria provided, single submitter. Criteria: ICSL Variant Classification Criteria 13 December 2019. Collection method: clinical testing. Allele origin: germline.
Comment: This variant was observed in the ICSL laboratory as part of a predisposition screen in an ostensibly healthy population. It had not been previously curated by ICSL or reported in the Human Gene Mutation Database (HGMD: prior to June 1st, 2018), and was therefore a candidate for classification through an automated scoring system. Utilizing variant allele frequency, disease prevalence and penetrance estimates, and inheritance mode, an automated score was calculated to assess if this variant is too frequent to cause the disease. Based on the score and internal cut-off values, a variant classified as benign is not then subjected to further curation. The score for this variant resulted in a classification of benign for this disease.

NM_020686.6(ABAT):c.*1819G>A

Gene: ABAT (4-aminobutyrate aminotransferase; plus strand). Cytogenetic location: 16p13.2.
Variant type: single nucleotide variant.
Coding change: c.*1819G>A on transcript NM_020686.6 (MANE Select); 1819 bases downstream of the stop codon, G replaced by A.
Molecular consequence: 3 prime UTR variant.
Genome position (GRCh38, 1-based): chr16:8,783,249, G>A. VCF-style: chr16-8783249-G-A. GRCh37 (hg19) VCF-style: chr16-8877106-G-A.
Other names: c.*1819G>A (NM_000663.5, NM_001127448.2, NM_001386600.1 and 14 more transcripts); c.*1833G>A (NM_001386609.1, NM_001386616.1).
Identifiers: ClinVar variation 321130 (VCV000321130.5), dbSNP rs78819878, ClinGen allele CA10648237.